The following is an entry in ClinVar:

NM_000787.4(DBH):c.1174G>A (p.Asp392Asn)

Gene: DBH (dopamine beta-hydroxylase; plus strand). Cytogenetic location: 9q34.2.
Variant type: single nucleotide variant.
Coding change: c.1174G>A on transcript NM_000787.4 (MANE Select); coding-DNA position 1174, G replaced by A.
Protein change: p.Asp392Asn; replaces aspartic acid 392 with asparagine.
Molecular consequence: missense variant.
Genome position (GRCh38, 1-based): chr9:133,647,995, G>A. VCF-style: chr9-133647995-G-A. GRCh37 (hg19) VCF-style: chr9-136513117-G-A.
Other names: short protein forms D392N.
Identifiers: ClinVar variation 1441832 (VCV001441832.5), dbSNP rs141163252, ClinGen allele CA200968036.

ClinVar aggregate classification (germline): Uncertain significance (1 of 4 stars; one submission).

Conditions:
Orthostatic hypotension 1 (ORTHYP1). Also called: Dopamine beta-hydroxylase deficiency; NORADRENALINE DEFICIENCY; NOREPINEPHRINE DEFICIENCY; Orthostatic hypotension 1, due to DBH deficiency. Identifiers: Orphanet 230, MedGen C4746777, MONDO:0009123, OMIM 223360.

Allele frequency attached by ClinVar (database versions not stated): ESP Exome Variant Server 0.00008.

Submission:

Labcorp Genetics (formerly Invitae), Labcorp
Classification: Uncertain significance for Orthostatic hypotension 1. Last evaluated: 2024-06-03. Review status: criteria provided, single submitter. Criteria: Invitae Variant Classification Sherloc (09022015). Collection method: clinical testing. Allele origin: germline.
Comment: This sequence change replaces aspartic acid, which is acidic and polar, with asparagine, which is neutral and polar, at codon 392 of the DBH protein (p.Asp392Asn). This variant is not present in population databases (gnomAD no frequency). This variant has not been reported in the literature in individuals affected with DBH-related conditions. ClinVar contains an entry for this variant (Variation ID: 1441832). Advanced modeling of protein sequence and biophysical properties (such as structural, functional, and spatial information, amino acid conservation, physicochemical variation, residue mobility, and thermodynamic stability) performed at Invitae indicates that this missense variant is not expected to disrupt DBH protein function with a negative predictive value of 80%. In summary, the available evidence is currently insufficient to determine the role of this variant in disease. Therefore, it has been classified as a Variant of Uncertain Significance.